The following is an entry in ClinVar:

ClinVar aggregate classification (germline): Uncertain significance (1 of 4 stars; one submission).

Conditions:
Charcot-Marie-Tooth disease axonal type 2O. Also called: CHARCOT-MARIE-TOOTH NEUROPATHY, AXONAL, TYPE 2O; CHARCOT-MARIE-TOOTH DISEASE, AXONAL, AUTOSOMAL DOMINANT, TYPE 2O; Charcot-Marie-Tooth disease, axonal, type 20; Charcot-Marie-Tooth Neuropathy Type 2O. Identifiers: Orphanet 284232, MedGen C3280220, MONDO:0013644, OMIM 614228.

Submission:

Labcorp Genetics (formerly Invitae), Labcorp
Classification: Uncertain significance for Charcot-Marie-Tooth disease axonal type 2O. Last evaluated: 2022-07-05. Review status: criteria provided, single submitter. Criteria: Invitae Variant Classification Sherloc (09022015). Collection method: clinical testing. Allele origin: germline.
Comment: This variant has not been reported in the literature in individuals affected with DYNC1H1-related conditions. ClinVar contains an entry for this variant (Variation ID: 1002569). Algorithms developed to predict the effect of missense changes on protein structure and function are either unavailable or do not agree on the potential impact of this missense change (SIFT: "Deleterious"; PolyPhen-2: "Possibly Damaging"; Align-GVGD: "Class C0"). In summary, the available evidence is currently insufficient to determine the role of this variant in disease. Therefore, it has been classified as a Variant of Uncertain Significance. This sequence change replaces proline, which is neutral and non-polar, with serine, which is neutral and polar, at codon 2597 of the DYNC1H1 protein (p.Pro2597Ser). This variant is not present in population databases (gnomAD no frequency).

NM_001376.5(DYNC1H1):c.7789C>T (p.Pro2597Ser)

Gene: DYNC1H1 (dynein cytoplasmic 1 heavy chain 1; plus strand). Cytogenetic location: 14q32.31.
Variant type: single nucleotide variant.
Coding change: c.7789C>T on transcript NM_001376.5 (MANE Select); coding-DNA position 7789, C replaced by T.
Protein change: p.Pro2597Ser; replaces proline 2597 with serine.
Molecular consequence: missense variant.
Genome position (GRCh38, 1-based): chr14:102,016,940, C>T. VCF-style: chr14-102016940-C-T. GRCh37 (hg19) VCF-style: chr14-102483277-C-T.
Other names: short protein forms P2597S.
Identifiers: ClinVar variation 1002569 (VCV001002569.10), dbSNP rs2048330369, ClinGen allele CA391002985.